The following is an entry in ClinVar:

NM_000361.3(THBD):c.491G>T (p.Gly164Val)

Gene: THBD (thrombomodulin; minus strand). Cytogenetic location: 20p11.21.
Variant type: single nucleotide variant.
Coding change: c.491G>T on transcript NM_000361.3 (MANE Select); coding-DNA position 491, G replaced by T.
Protein change: p.Gly164Val; replaces glycine 164 with valine.
Molecular consequence: missense variant.
Genome position (GRCh38, 1-based): chr20:23,049,014, C>A on the plus strand (G>T on the coding strand, the complement: THBD is on the minus strand). VCF-style: chr20-23049014-C-A. GRCh37 (hg19) VCF-style: chr20-23029651-C-A.
Other names: short protein forms G164V.
Identifiers: ClinVar variation 4280575 (VCV004280575.1).

ClinVar aggregate classification (germline): Uncertain significance (1 of 4 stars; one submission).

Conditions:
Thrombomodulin-related bleeding disorder (THPH12). Also called: Thrombophilia due to thrombomodulin defect. Identifiers: Orphanet 436169, MedGen C3280976, MONDO:0013775, OMIM 614486.

Submission:

Genomenon, Inc
Classification: Uncertain significance for Thrombomodulin-related bleeding disorder. Last evaluated: 2025-09-22. Review status: criteria provided, single submitter. Criteria: Genomenon Sequence Variant Interpretation Standards - Updated. Collection method: curation. Allele origin: germline. Affected: no.
Comment: THBD p.Gly164Val (c.491G>T) is a missense variant that changes the amino acid at residue 164 from Glycine to Valine. This variant has been reported in the published literature (PMID:34970867). It is absent or not present at a significant frequency in gnomAD. In conclusion, we classify THBD p.Gly164Val (c.491G>T) as a variant of unknown significance.

Literature cited by the submitters: PubMed 34970867.